The following is an entry in ClinVar:

NM_015570.4(AUTS2):c.3389A>G (p.His1130Arg)

Gene: AUTS2 (activator of transcription and developmental regulator AUTS2; plus strand). Cytogenetic location: 7q11.22.
Variant type: single nucleotide variant.
Coding change: c.3389A>G on transcript NM_015570.4 (MANE Select); coding-DNA position 3389, A replaced by G.
Protein change: p.His1130Arg; replaces histidine 1130 with arginine.
Molecular consequence: missense variant.
Genome position (GRCh38, 1-based): chr7:70,790,605, A>G. VCF-style: chr7-70790605-A-G. GRCh37 (hg19) VCF-style: chr7-70255591-A-G.
Other names: c.3317A>G, p.His1106Arg (NM_001127231.3); short protein forms H1106R, H1130R.
Identifiers: ClinVar variation 4713855 (VCV004713855.1).

ClinVar aggregate classification (germline): Uncertain significance (1 of 4 stars; one submission).

Submission:

Labcorp Genetics (formerly Invitae), Labcorp
Classification: Uncertain significance. Last evaluated: 2025-02-26. Review status: criteria provided, single submitter. Criteria: Invitae Variant Classification Sherloc (09022015). Collection method: clinical testing. Allele origin: germline.
Comment: This sequence change replaces histidine, which is basic and polar, with arginine, which is basic and polar, at codon 1130 of the AUTS2 protein (p.His1130Arg). This variant is not present in population databases (gnomAD no frequency). This variant has not been reported in the literature in individuals affected with AUTS2-related conditions. An algorithm developed to predict the effect of missense changes on protein structure and function (PolyPhen-2) suggests that this variant is likely to be disruptive. In summary, the available evidence is currently insufficient to determine the role of this variant in disease. Therefore, it has been classified as a Variant of Uncertain Significance.